The following is an entry in ClinVar:

ClinVar aggregate classification (germline): Uncertain significance (1 of 4 stars; one submission).

Submission:

Ambry Genetics
Classification: Uncertain significance. Last evaluated: 2023-12-02. Review status: criteria provided, single submitter. Criteria: Ambry Variant Classification Scheme 2023. Collection method: clinical testing. Allele origin: germline.
Comment: The p.E164K variant (also known as c.490G>A), located in coding exon 5 of the SLMAP gene, results from a G to A substitution at nucleotide position 490. The glutamic acid at codon 164 is replaced by lysine, an amino acid with similar properties. This amino acid position is conserved. In addition, the in silico prediction for this alteration is inconclusive. Since supporting evidence is limited at this time, the clinical significance of this alteration remains unclear.

NM_001377540.1(SLMAP):c.490G>A (p.Glu164Lys)

Gene: SLMAP (sarcolemma associated protein; plus strand). Cytogenetic location: 3p14.3.
Variant type: single nucleotide variant.
Coding change: c.490G>A on transcript NM_001377540.1 (MANE Select); coding-DNA position 490, G replaced by A.
Protein change: p.Glu164Lys; replaces glutamic acid 164 with lysine.
Molecular consequence: missense variant. On other transcripts: non-coding transcript variant (1).
Genome position (GRCh38, 1-based): chr3:57,849,787, G>A. VCF-style: chr3-57849787-G-A. GRCh37 (hg19) VCF-style: chr3-57835514-G-A.
Other names: c.490G>A, p.Glu164Lys (NM_001304420.3, NM_001304421.2, NM_001377538.1 and 17 more transcripts); short protein forms E164K.
Identifiers: ClinVar variation 3226009 (VCV003226009.1), dbSNP rs2472819753, ClinGen allele CA353406489.